The following is an entry in ClinVar:

ClinVar aggregate classification (germline): Pathogenic (1 of 4 stars; one submission).

Conditions:
Primary ciliary dyskinesia 3. Identifiers: Orphanet 244, MedGen C1837618, MONDO:0012085, OMIM 608644.

Submission:

Myriad Genetics, Inc.
Classification: Pathogenic for Primary ciliary dyskinesia 3. Last evaluated: 2024-05-14. Review status: criteria provided, single submitter. Criteria: Myriad Autosomal Dominant, Autosomal Recessive and X-Linked Classification Criteria (2023). Collection method: clinical testing. Allele origin: unknown.
Comment: NM_001369.2(DNAH5):c.8353_8354ins13(P2785Lfs*13) is expected to be pathogenic in the context of primary ciliary dyskinesia, DNAH5-related. This variant is predicted to lead to an abnormal or absent protein product due to the creation of a premature termination codon in DNAH5, a gene where loss-of-function variants are known to be pathogenic. Please note: this variant was assessed in the context of healthy population screening.

NM_001369.3(DNAH5):c.8353_8354insTGTCTCTTATACA (p.Pro2785fs)

Gene: DNAH5 (dynein axonemal heavy chain 5; minus strand). Cytogenetic location: 5p15.2.
Variant type: Insertion.
Coding change: c.8353_8354insTGTCTCTTATACA on transcript NM_001369.3 (MANE Select); coding-DNA positions 8353 to 8354, TGTCTCTTATACA inserted.
Protein change: p.Pro2785fs; shifts the reading frame from proline 2785.
Molecular consequence: frameshift variant.
Genome position: GRCh38 VCF-style: chr5-13792088-G-GTGTATAAGAGACA. GRCh37 (hg19) VCF-style: chr5-13792197-G-GTGTATAAGAGACA.
Other names: short protein forms P2785fs.
Identifiers: ClinVar variation 5010740 (VCV005010740.1).